The following is an entry in ClinVar:

NM_001384140.1(PCDH15):c.139del (p.Asp47fs)

Genes: PCDH15 (protocadherin related 15; minus strand), LOC105378311 (uncharacterized LOC105378311; plus strand). Cytogenetic location: 10q21.1.
Variant type: Deletion.
Coding change: c.139del on transcript NM_001384140.1 (MANE Select); coding-DNA position 139, one base deleted (G; older notation c.139delG).
Protein change: p.Asp47fs; shifts the reading frame from aspartic acid 47.
Molecular consequence: frameshift variant. On other transcripts: intron variant (3).
Genome position (GRCh38, 1-based): chr10:54,527,830, C deleted on the plus strand (G on the coding strand, the reverse complement: PCDH15 is on the minus strand). VCF-style (leftmost placement, unchanged base first): chr10-54527829-TC-T. GRCh37 (hg19) VCF-style: chr10-56287589-TC-T.
Other names: c.154del, p.Asp52fs (NM_001142763.2, NM_001142771.2); c.139del, p.Asp47fs (NM_001142764.2, NM_001142765.2, NM_001142766.2 and 8 more transcripts); c.154delG, p.Asp52Metfs (NM_001142769.4); c.91+136342del (NM_001354404.2, NM_001142773.2, NM_001142768.2); short protein forms D47fs, D52fs.
Identifiers: ClinVar variation 553924 (VCV000553924.7), dbSNP rs1555032952, ClinGen allele CA658822286.

ClinVar aggregate classification (germline): Pathogenic. Review status: criteria provided, single submitter (1 of 4 stars). 2 submissions from 2 submitters: Pathogenic (1). 1 of the submissions does not count toward it. Last evaluated 2021-11-13.

Conditions:
Usher syndrome type 1F (USH1F). Also called: USHER SYNDROME, TYPE IF. Identifiers: Orphanet 231169, Orphanet 886, MedGen C1865885, MONDO:0011186, OMIM 602083.

Allele frequency attached by ClinVar (database versions not stated): gnomAD exomes below 0.00001.

Submissions (2):

Labcorp Genetics (formerly Invitae), Labcorp
Classification: Pathogenic. Last evaluated: 2021-11-13. Review status: criteria provided, single submitter. Criteria: Invitae Variant Classification Sherloc (09022015). Collection method: clinical testing. Allele origin: germline.
Comment: This sequence change creates a premature translational stop signal (p.Asp47Metfs*15) in the PCDH15 gene. It is expected to result in an absent or disrupted protein product. Loss-of-function variants in PCDH15 are known to be pathogenic (PMID: 11398101, 11487575, 14570705). This variant is not present in population databases (gnomAD no frequency). This variant has not been reported in the literature in individuals affected with PCDH15-related conditions. ClinVar contains an entry for this variant (Variation ID: 553924). For these reasons, this variant has been classified as Pathogenic.

Counsyl
Classification: Likely pathogenic for Usher syndrome type 1F. Last evaluated: 2017-09-20. Review status: no assertion criteria provided. Collection method: clinical testing. Allele origin: unknown. Not counted in ClinVar's aggregate classification.

Literature cited by the submitters: PubMed 11398101 (cited by Labcorp Genetics (formerly Invitae), Labcorp); PubMed 11487575 (cited by Labcorp Genetics (formerly Invitae), Labcorp); PubMed 14570705 (cited by Labcorp Genetics (formerly Invitae), Labcorp).